The following is an entry in ClinVar:

NM_004944.4(DNASE1L3):c.65G>A (p.Arg22Lys)

Gene: DNASE1L3 (deoxyribonuclease 1L3; minus strand). Cytogenetic location: 3p14.3.
Variant type: single nucleotide variant.
Coding change: c.65G>A on transcript NM_004944.4 (MANE Select); coding-DNA position 65, G replaced by A.
Protein change: p.Arg22Lys; replaces arginine 22 with lysine.
Molecular consequence: missense variant.
Genome position (GRCh38, 1-based): chr3:58,210,842, C>T on the plus strand (G>A on the coding strand, the complement: DNASE1L3 is on the minus strand). VCF-style: chr3-58210842-C-T. GRCh37 (hg19) VCF-style: chr3-58196569-C-T.
Other names: c.65G>A, p.Arg22Lys (NM_001256560.2); short protein forms R22K.
Identifiers: ClinVar variation 2075932 (VCV002075932.2), dbSNP rs139865883, ClinGen allele CA2470136.

ClinVar aggregate classification (germline): Uncertain significance. Review status: criteria provided, multiple submitters, no conflicts (2 of 4 stars). 2 submissions from 2 submitters: Uncertain significance (2). Last evaluated 2024-06-07.

Conditions:
Autosomal systemic lupus erythematosus type 16. Also called: Systemic lupus erythematosus 16. Identifiers: Orphanet 300345, MedGen C3280742, MONDO:0013743, OMIM 614420.

Allele frequency attached by ClinVar (database versions not stated): gnomAD exomes 0.00002; ExAC 0.00007; ESP Exome Variant Server 0.00031; gnomAD 0.00031; TOPMed 0.00031; 1000 Genomes Project 0.00040; 1000 Genomes Project 30x 0.00047.
gnomAD v4.1: 73 of 1,614,132 alleles (0.0045%); highest among the groups gnomAD compares: African/African-American, 0.089%; no homozygotes.

Submissions (2):

Fulgent Genetics
Classification: Uncertain significance for Autosomal systemic lupus erythematosus type 16. Last evaluated: 2024-06-07. Review status: criteria provided, single submitter. Criteria: ACMG Guidelines, 2015. Collection method: clinical testing. Allele origin: germline.

Labcorp Genetics (formerly Invitae), Labcorp
Classification: Uncertain significance. Last evaluated: 2022-05-25. Review status: criteria provided, single submitter. Criteria: Invitae Variant Classification Sherloc (09022015). Collection method: clinical testing. Allele origin: germline.
Comment: This sequence change replaces arginine, which is basic and polar, with lysine, which is basic and polar, at codon 22 of the DNASE1L3 protein (p.Arg22Lys). This variant is present in population databases (rs139865883, gnomAD 0.1%). This variant has not been reported in the literature in individuals affected with DNASE1L3-related conditions. Algorithms developed to predict the effect of missense changes on protein structure and function output the following: SIFT: "Tolerated"; PolyPhen-2: "Benign"; Align-GVGD: "Class C0". The lysine amino acid residue is found in multiple mammalian species, which suggests that this missense change does not adversely affect protein function. Experimental studies have shown that this missense change does not substantially affect DNASE1L3 function (PMID: 24206041). Algorithms developed to predict the effect of sequence changes on RNA splicing suggest that this variant may create or strengthen a splice site. In summary, the available evidence is currently insufficient to determine the role of this variant in disease. Therefore, it has been classified as a Variant of Uncertain Significance.

Literature cited by the submitters: PubMed 24206041 (cited by Labcorp Genetics (formerly Invitae), Labcorp).